The following is an entry in ClinVar:

ClinVar aggregate classification (germline): Conflicting classifications of pathogenicity. Review status: criteria provided, conflicting classifications (1 of 4 stars). 12 submissions from 11 submitters: Uncertain significance (3); Benign (1); Likely benign (7). 1 of the submissions does not count toward it. Last evaluated 2026-01-17.

Conditions:
SYNE1-related disorder. Also called: SYNE1-related disorders; SYNE1-related disease; SYNE1-related condition.
Autosomal recessive ataxia, Beauce type. Also called: ATAXIA, RECESSIVE, OF BEAUCE; Spinocerebellar ataxia, autosomal recessive 8; SYNE1-Related Autosomal Recessive Cerebellar Ataxia; SYNE1 Deficiency. Identifiers: Orphanet 88644, MedGen C1853116, MONDO:0012549, OMIM 610743.
Emery-Dreifuss muscular dystrophy 4, autosomal dominant (EDMD4). Also called: EMERY-DREIFUSS MUSCULAR DYSTROPHY 4 WITH VARIABLE FEATURES. Identifiers: Orphanet 261, MedGen C2751807, MONDO:0013071, OMIM 612998.

Allele frequency attached by ClinVar (database versions not stated): 1000 Genomes Project 30x 0.00016; 1000 Genomes Project 0.00020; TOPMed 0.00046; ESP Exome Variant Server 0.00069.
gnomAD v4.1: 832 of 1,614,164 alleles (0.052%); highest among the groups gnomAD compares: Admixed American, 0.13%; 1 homozygote.

Submissions (12):

Labcorp Genetics (formerly Invitae), Labcorp
Classification: Likely benign for Emery-Dreifuss muscular dystrophy 4, autosomal dominant; Autosomal recessive ataxia, Beauce type. Last evaluated: 2026-01-17. Review status: criteria provided, single submitter. Criteria: Invitae Variant Classification Sherloc (09022015). Collection method: clinical testing. Allele origin: germline.

Mayo Clinic Laboratories, Mayo Clinic
Classification: Likely benign. Last evaluated: 2025-12-10. Review status: criteria provided, single submitter. Criteria: ACMG Guidelines, 2015. Collection method: clinical testing. Allele origin: germline. Observed: 1 variant allele.
Comment: BS1, BP2, BP4_moderate

CeGaT Center for Human Genetics Tuebingen
Classification: Likely benign. Last evaluated: 2025-05-01. Review status: criteria provided, single submitter. Criteria: CeGaT Center For Human Genetics Tuebingen Variant Classification Criteria Version 2. Collection method: clinical testing. Allele origin: germline. Affected: yes. Observed: 4 variant alleles.
Comment: SYNE1: BP4, BS1

Blueprint Genetics
Classification: Uncertain significance. Last evaluated: 2024-11-11. Review status: criteria provided, single submitter. Criteria: ACMG Guidelines, 2015. Collection method: clinical testing. Allele origin: germline.

Women's Health and Genetics/Laboratory Corporation of America, LabCorp
Classification: Likely benign. Last evaluated: 2024-02-16. Review status: criteria provided, single submitter. Criteria: LabCorp Variant Classification Summary - May 2015. Collection method: clinical testing. Allele origin: germline.
Comment: Variant summary: SYNE1 c.9736C>G (p.Gln3246Glu) results in a conservative amino acid change in the encoded protein sequence. Three of five in-silico tools predict a benign effect of the variant on protein function. The variant allele was found at a frequency of 0.00072 in 251296 control chromosomes. This provides supporting evidence for a benign role of the variant. To our knowledge, no experimental evidence demonstrating an impact on protein function has been reported. The following publications have been ascertained in the context of this evaluation (PMID: 35595401, 34890876). ClinVar contains an entry for this variant (Variation ID: 282775). Based on the evidence outlined above, the variant was classified as likely benign.

Athena Diagnostics
Classification: Likely benign. Last evaluated: 2021-04-14. Review status: criteria provided, single submitter. Criteria: Athena Diagnostics criteria. Collection method: clinical testing. Allele origin: unknown.

GeneDx
Classification: Likely benign. Last evaluated: 2020-12-14. Review status: criteria provided, single submitter. Criteria: GeneDx Variant Classification Process June 2021. Collection method: clinical testing. Allele origin: germline. Affected: yes.

ARUP Laboratories, Molecular Genetics and Genomics, ARUP Laboratories
Classification: Uncertain significance. Last evaluated: 2018-10-05. Review status: criteria provided, single submitter. Criteria: ARUP Molecular Germline Variant Investigation Process. Collection method: clinical testing. Allele origin: germline.
Comment: The SYNE1: p.Gln3246Glu variant (rs149901087) has not been reported in the medical literature, gene specific variation databases, nor has it been previously identified by our laboratory. This variant is listed in the Genome Aggregation Database (gnomAD) with a population frequency of 0.6 percent in the Ashkenazi Jewish population (identified on 62 out of 10,152 chromosomes) and has been reported to the ClinVar database (Variation ID: 282775). The glutamine at position 3246 is moderately conserved and computational analyses of the p.Gln3246Glu variant on protein structure and function provide conflicting results (SIFT: tolerated, PolyPhen-2: possibly damaging). Altogether, there is not enough evidence to classify the p.Gln3246Glu variant with certainty.

Illumina Laboratory Services, Illumina
Classification: Benign for Emery-Dreifuss muscular dystrophy 4, autosomal dominant. Last evaluated: 2018-01-13. Review status: criteria provided, single submitter. Criteria: ICSL Variant Classification Criteria 13 December 2019. Collection method: clinical testing. Allele origin: germline.
Comment: This variant was observed in the ICSL laboratory as part of a predisposition screen in an ostensibly healthy population. It had not been previously curated by ICSL or reported in the Human Gene Mutation Database (HGMD: prior to June 1st, 2018), and was therefore a candidate for classification through an automated scoring system. Utilizing variant allele frequency, disease prevalence and penetrance estimates, and inheritance mode, an automated score was calculated to assess if this variant is too frequent to cause the disease. Based on the score and internal cut-off values, a variant classified as benign is not then subjected to further curation. The score for this variant resulted in a classification of benign for this disease.

Illumina Laboratory Services, Illumina
Classification: Uncertain significance for Autosomal recessive ataxia, Beauce type. Last evaluated: 2018-01-13. Review status: criteria provided, single submitter. Criteria: ICSL Variant Classification Criteria 13 December 2019. Collection method: clinical testing. Allele origin: germline.

Eurofins Ntd Llc (ga)
Classification: Likely benign. Last evaluated: 2017-04-04. Review status: criteria provided, single submitter. Criteria: EGL Classification Definitions 2015. Collection method: clinical testing. Allele origin: germline. Observed: 7 variant alleles, 7 heterozygotes.

PreventionGenetics, part of Exact Sciences
Classification: Likely benign for SYNE1-related condition. Last evaluated: 2020-05-26. Review status: no assertion criteria provided. Collection method: clinical testing. Allele origin: germline. Not counted in ClinVar's aggregate classification.
Comment: This variant is classified as likely benign based on ACMG/AMP sequence variant interpretation guidelines (Richards et al. 2015 PMID: 25741868, with internal and published modifications).

Literature cited by the submitters: PubMed 35595401 (cited by Mayo Clinic Laboratories, Mayo Clinic and Women's Health and Genetics/Laboratory Corporation of America, LabCorp); PubMed 34890876 (cited by Women's Health and Genetics/Laboratory Corporation of America, LabCorp).

NM_182961.4(SYNE1):c.9715C>G (p.Gln3239Glu)

Gene: SYNE1 (spectrin repeat containing nuclear envelope protein 1; minus strand). Cytogenetic location: 6q25.2.
Variant type: single nucleotide variant.
Coding change: c.9715C>G on transcript NM_182961.4 (MANE Select); coding-DNA position 9715, C replaced by G.
Protein change: p.Gln3239Glu; replaces glutamine 3239 with glutamic acid.
Molecular consequence: missense variant.
Genome position (GRCh38, 1-based): chr6:152,369,064, G>C on the plus strand (C>G on the coding strand, the complement: SYNE1 is on the minus strand). VCF-style: chr6-152369064-G-C. GRCh37 (hg19) VCF-style: chr6-152690199-G-C.
Other names: p.Gln3246Glu; c.9736C>G, p.Gln3246Glu (NM_033071.5); short protein forms Q3239E, Q3246E.
Identifiers: ClinVar variation 282775 (VCV000282775.58), dbSNP rs149901087, ClinGen allele CA4057232.